The following is an entry in ClinVar:

ClinVar aggregate classification (germline): Uncertain significance (1 of 4 stars; one submission).

Submission:

Dasa
Classification: Uncertain significance. Last evaluated: 2024-12-10. Review status: criteria provided, single submitter. Criteria: DASA Assertion Criteria. Collection method: clinical testing. Allele origin: germline.
Comment: NM_001003722.2(GLE1):c.1268A>G (p.Gln423Arg) is a missense variant that results in the substitution of glutamine with arginine. This variant is absent from population databases. The currently available literature and clinical evidence are not sufficient to establish a definitive association between this variant and the reported condition. Therefore, this variant is classified as a variant of uncertain significance.

NM_001003722.2(GLE1):c.1268A>G (p.Gln423Arg)

Gene: GLE1 (GLE1 RNA export mediator; plus strand). Cytogenetic location: 9q34.11.
Variant type: single nucleotide variant.
Coding change: c.1268A>G on transcript NM_001003722.2 (MANE Select); coding-DNA position 1268, A replaced by G.
Protein change: p.Gln423Arg; replaces glutamine 423 with arginine.
Molecular consequence: missense variant.
Genome position (GRCh38, 1-based): chr9:128,527,481, A>G. VCF-style: chr9-128527481-A-G. GRCh37 (hg19) VCF-style: chr9-131289760-A-G.
Other names: c.1268A>G, p.Gln423Arg (NM_001411013.1, NM_001499.2); short protein forms Q423R.
Identifiers: ClinVar variation 5021032 (VCV005021032.1).
Genomic context (GRCh38, chr9:128,527,481, plus strand): 5'-CAGAACACTGCTTTCTCACTGTTCTCTTCTGGCAGGCCAAAAAGATAAAGATGGACCTCC[A>G]GAAGGCTGCTACCATCCCAGTGAGCCAAATCTCTACCATTGCAGGTTGGTCAGAGGGGTT-3'
Protein context (NP_001003722.1, residues 413-433): SQAKKIKMDL[Gln423Arg]KAATIPVSQI